The following is an entry in ClinVar:

NM_000443.4(ABCB4):c.12G>T (p.Glu4Asp)

Genes: ABCB4 (ATP binding cassette subfamily B member 4; minus strand), LOC129998756 (ATAC-STARR-seq lymphoblastoid silent region 18347; plus strand). Cytogenetic location: 7q21.12.
Variant type: single nucleotide variant.
Coding change: c.12G>T on transcript NM_000443.4 (MANE Select); coding-DNA position 12, G replaced by T.
Protein change: p.Glu4Asp; replaces glutamic acid 4 with aspartic acid.
Molecular consequence: missense variant.
Genome position (GRCh38, 1-based): chr7:87,475,454, C>A on the plus strand (G>T on the coding strand, the complement: ABCB4 is on the minus strand). VCF-style: chr7-87475454-C-A. GRCh37 (hg19) VCF-style: chr7-87104770-C-A.
Other names: c.12G>T, p.Glu4Asp (NM_018849.3, NM_018850.3); short protein forms E4D.
Identifiers: ClinVar variation 795895 (VCV000795895.7), dbSNP rs542027378, ClinGen allele CA4327657.

ClinVar aggregate classification (germline): Conflicting classifications of pathogenicity. Review status: criteria provided, conflicting classifications (1 of 4 stars). 2 submissions from 2 submitters: Uncertain significance (1); Likely benign (1). Last evaluated 2025-12-30.

Conditions:
ABCB4-related disorder. Also called: ABCB4-related disorders; ABCB4-related condition.

Allele frequency attached by ClinVar (database versions not stated): gnomAD below 0.00001 and 0.00002; TOPMed below 0.00001; gnomAD exomes 0.00004 and 0.00011; ExAC 0.00016; 1000 Genomes Project 30x 0.00031; 1000 Genomes Project 0.00040.
gnomAD v4.1: 62 of 1,614,214 alleles (0.0038%); highest among the groups gnomAD compares: South Asian, 0.061%; 1 homozygote.

Submissions (2):

Labcorp Genetics (formerly Invitae), Labcorp
Classification: Likely benign. Last evaluated: 2025-12-30. Review status: criteria provided, single submitter. Criteria: Invitae Variant Classification Sherloc (09022015). Collection method: clinical testing. Allele origin: germline.

PreventionGenetics, part of Exact Sciences
Classification: Uncertain significance for ABCB4-related condition. Last evaluated: 2025-12-03. Review status: criteria provided, single submitter. Criteria: ACMG Guidelines, 2015. Collection method: clinical testing. Allele origin: germline.
Comment: The ABCB4 c.12G>T variant is predicted to result in the amino acid substitution p.Glu4Asp. To our knowledge, this variant has not been reported in the literature. This variant is reported in 0.082% of alleles in individuals of South Asian descent in gnomAD. Although we suspect that this variant may be benign, at this time, the clinical significance of this variant is uncertain due to the absence of conclusive functional and genetic evidence.